The following is an entry in ClinVar:

ClinVar aggregate classification (germline): Likely benign. Review status: criteria provided, multiple submitters, no conflicts (2 of 4 stars). 2 submissions from 2 submitters: Likely benign (2). Last evaluated 2025-05-01.

Allele frequency attached by ClinVar (database versions not stated): gnomAD exomes below 0.00001.

Submissions (2):

CeGaT Center for Human Genetics Tuebingen
Classification: Likely benign. Last evaluated: 2025-05-01. Review status: criteria provided, single submitter. Criteria: CeGaT Center For Human Genetics Tuebingen Variant Classification Criteria Version 2. Collection method: clinical testing. Allele origin: germline. Affected: yes. Observed: 1 variant allele.
Comment: ORC1: BP4, BP7

Labcorp Genetics (formerly Invitae), Labcorp
Classification: Likely benign. Last evaluated: 2023-07-08. Review status: criteria provided, single submitter. Criteria: Invitae Variant Classification Sherloc (09022015). Collection method: clinical testing. Allele origin: germline.

NM_004153.4(ORC1):c.1005A>G (p.Thr335=)

Gene: ORC1 (origin recognition complex subunit 1; minus strand). Cytogenetic location: 1p32.3.
Variant type: single nucleotide variant.
Coding change: c.1005A>G on transcript NM_004153.4 (MANE Select); coding-DNA position 1005, A replaced by G.
Protein change: p.Thr335=; no amino-acid change (threonine 335 retained).
Molecular consequence: synonymous variant.
Genome position (GRCh38, 1-based): chr1:52,393,520, T>C on the plus strand (A>G on the coding strand, the complement: ORC1 is on the minus strand). VCF-style: chr1-52393520-T-C. GRCh37 (hg19) VCF-style: chr1-52859192-T-C.
Other names: c.1005A>G, p.Thr335= (NM_001190818.2, NM_001190819.2).
Identifiers: ClinVar variation 2638815 (VCV002638815.27), dbSNP rs2524149250, ClinGen allele CA417871179.